The following is an entry in ClinVar:

ClinVar aggregate classification (germline): Uncertain significance (1 of 4 stars; one submission).

Allele frequency attached by ClinVar (database versions not stated): TOPMed below 0.00001.

Submission:

Labcorp Genetics (formerly Invitae), Labcorp
Classification: Uncertain significance. Last evaluated: 2023-12-02. Review status: criteria provided, single submitter. Criteria: Invitae Variant Classification Sherloc (09022015). Collection method: clinical testing. Allele origin: germline.
Comment: This sequence change replaces valine, which is neutral and non-polar, with alanine, which is neutral and non-polar, at codon 500 of the CAMK2B protein (p.Val500Ala). This variant is not present in population databases (gnomAD no frequency). This variant has not been reported in the literature in individuals affected with CAMK2B-related conditions. An algorithm developed to predict the effect of missense changes on protein structure and function (PolyPhen-2) suggests that this variant is likely to be tolerated. In summary, the available evidence is currently insufficient to determine the role of this variant in disease. Therefore, it has been classified as a Variant of Uncertain Significance.

NM_001220.5(CAMK2B):c.1499T>C (p.Val500Ala)

Gene: CAMK2B (calcium/calmodulin dependent protein kinase II beta; minus strand). Cytogenetic location: 7p13.
Variant type: single nucleotide variant.
Coding change: c.1499T>C on transcript NM_001220.5 (MANE Select); coding-DNA position 1499, T replaced by C.
Protein change: p.Val500Ala; replaces valine 500 with alanine.
Molecular consequence: missense variant. On other transcripts: intron variant (8).
Genome position (GRCh38, 1-based): chr7:44,226,614, A>G on the plus strand (T>C on the coding strand, the complement: CAMK2B is on the minus strand). VCF-style: chr7-44226614-A-G. GRCh37 (hg19) VCF-style: chr7-44266213-A-G.
Other names: c.947-5713T>C (NM_172084.3); c.1150+4392T>C (NM_172080.3); c.1036+4392T>C (NM_172083.3); c.1108+4392T>C (NM_172081.3); c.1153+4392T>C (NM_172079.3, NM_172082.3); c.1225+4392T>C (NM_001293170.2, NM_172078.3); short protein forms V500A.
Identifiers: ClinVar variation 2875431 (VCV002875431.3), dbSNP rs1334193111, ClinGen allele CA367371702.